The following is an entry in ClinVar:

NM_052989.3(IFT122):c.1950C>T (p.Ala650=)

Gene: IFT122 (intraflagellar transport 122; plus strand). Cytogenetic location: 3q21.3.
Variant type: single nucleotide variant.
Coding change: c.1950C>T on transcript NM_052989.3 (MANE Select); coding-DNA position 1950, C replaced by T.
Protein change: p.Ala650=; no amino-acid change (alanine 650 retained).
Molecular consequence: synonymous variant.
Genome position (GRCh38, 1-based): chr3:129,488,355, C>T. VCF-style: chr3-129488355-C-T. GRCh37 (hg19) VCF-style: chr3-129207198-C-T.
Other names: c.1926C>T, p.Ala642= (NM_001280541.2); c.1500C>T, p.Ala500= (NM_001280545.2); c.1323C>T, p.Ala441= (NM_001280546.2); c.1950C>T, p.Ala650= (NM_001410808.1, NM_001410809.1); c.1773C>T, p.Ala591= (NM_001410810.1, NM_001410811.1, NM_001410813.1 and 1 more transcripts); c.1617C>T, p.Ala539= (NM_001410815.1, NM_001410817.1, NM_052990.3); c.2103C>T, p.Ala701= (NM_052985.4).
Identifiers: ClinVar variation 3055790 (VCV003055790.2), dbSNP rs1397225483, ClinGen allele CA435627343.

ClinVar aggregate classification (germline): Likely benign (0 of 4 stars; one submission).

Conditions:
IFT122-related disorder. Also called: IFT122-related condition.

Submission:

PreventionGenetics, part of Exact Sciences
Classification: Likely benign for IFT122-related condition. Last evaluated: 2021-06-05. Review status: no assertion criteria provided. Collection method: clinical testing. Allele origin: germline.
Comment: This variant is classified as likely benign based on ACMG/AMP sequence variant interpretation guidelines (Richards et al. 2015 PMID: 25741868, with internal and published modifications).